The following is an entry in ClinVar:

NM_016333.4(SRRM2):c.6232C>T (p.Arg2078Cys)

Gene: SRRM2 (serine/arginine repetitive matrix 2; plus strand). Cytogenetic location: 16p13.3.
Variant type: single nucleotide variant.
Coding change: c.6232C>T on transcript NM_016333.4 (MANE Select); coding-DNA position 6232, C replaced by T.
Protein change: p.Arg2078Cys; replaces arginine 2078 with cysteine.
Molecular consequence: missense variant.
Genome position (GRCh38, 1-based): chr16:2,766,760, C>T. VCF-style: chr16-2766760-C-T. GRCh37 (hg19) VCF-style: chr16-2816761-C-T.
Other names: short protein forms R2078C.
Identifiers: ClinVar variation 5039742 (VCV005039742.1).

ClinVar aggregate classification (germline): Likely benign (1 of 4 stars; one submission).

gnomAD v4.1: 16 of 1,614,074 alleles (0.00099%); highest among the groups gnomAD compares: Admixed American, 0.0033%; no homozygotes.

Submission:

CeGaT Center for Human Genetics Tuebingen
Classification: Likely benign. Last evaluated: 2026-08-01. Review status: criteria provided, single submitter. Criteria: CeGaT Center For Human Genetics Tuebingen Variant Classification Criteria Version 2. Collection method: clinical testing. Allele origin: germline. Affected: yes. Observed: 1 variant allele.
Comment: SRRM2: BS2